The following is an entry in ClinVar:

NM_005664.4(MKRN3):c.515G>A (p.Gly172Asp)

Gene: MKRN3 (makorin ring finger protein 3; plus strand). Cytogenetic location: 15q11.2.
Variant type: single nucleotide variant.
Coding change: c.515G>A on transcript NM_005664.4 (MANE Select); coding-DNA position 515, G replaced by A.
Protein change: p.Gly172Asp; replaces glycine 172 with aspartic acid.
Molecular consequence: missense variant.
Genome position (GRCh38, 1-based): chr15:23,566,297, G>A. VCF-style: chr15-23566297-G-A. GRCh37 (hg19) VCF-style: chr15-23811444-G-A.
Other names: short protein forms G172D.
Identifiers: ClinVar variation 1312434 (VCV001312434.3), dbSNP rs139225180, ClinGen allele CA7429402.
Genomic context (GRCh38, chr15:23,566,297, plus strand): 5'-CGACTCAGGAAGTGGCGGAAGCCCCCCCGGCTGCATCCTCCCTTTCCTTGCCTGTGATTG[G>A]CTCGGCTGCTGAAAGGGGTTTCTTTGAAGCCGAGAGAGACAATGCAGACCGTGGAGCTGC-3'
Protein context (NP_005655.1, residues 162-182): AASSLSLPVI[Gly172Asp]SAAERGFFEA

ClinVar aggregate classification (germline): Uncertain significance. Review status: criteria provided, multiple submitters, no conflicts (2 of 4 stars). 2 submissions from 2 submitters: Uncertain significance (2). Last evaluated 2025-08-22.

Conditions:
Inborn genetic diseases. Identifiers: MedGen C0950123, MeSH D030342.

Allele frequency attached by ClinVar (database versions not stated): gnomAD exomes 0.00002 and 0.00010; ExAC 0.00003; gnomAD 0.00004 and 0.00005; TOPMed 0.00004; ESP Exome Variant Server 0.00015.
gnomAD v4.1: 149 of 1,613,930 alleles (0.0092%); highest among the groups gnomAD compares: Non-Finnish European, 0.012%; no homozygotes.

Submissions (2):

Ambry Genetics
Classification: Uncertain significance for Inborn genetic diseases. Last evaluated: 2025-08-22. Review status: criteria provided, single submitter. Criteria: Ambry Variant Classification Scheme 2023. Collection method: clinical testing. Allele origin: germline.

GeneDx
Classification: Uncertain significance. Last evaluated: 2019-09-24. Review status: criteria provided, single submitter. Criteria: GeneDx Variant Classification Process June 2021. Collection method: clinical testing. Allele origin: germline. Affected: yes.
Comment: Has not been previously published as pathogenic or benign to our knowledge; In silico analysis, which includes protein predictors and evolutionary conservation, supports a deleterious effect